The following is an entry in ClinVar:

ClinVar aggregate classification (germline): Uncertain significance (1 of 4 stars; one submission).

Allele frequency attached by ClinVar (database versions not stated): ExAC 0.00001; gnomAD exomes 0.00001.
gnomAD v4.1: 6 of 1,606,344 alleles (0.00037%); highest among the groups gnomAD compares: Non-Finnish European, 0.00051%; no homozygotes.

Submission:

Labcorp Genetics (formerly Invitae), Labcorp
Classification: Uncertain significance. Last evaluated: 2024-12-09. Review status: criteria provided, single submitter. Criteria: Invitae Variant Classification Sherloc (09022015). Collection method: clinical testing. Allele origin: germline.
Comment: This sequence change replaces valine, which is neutral and non-polar, with alanine, which is neutral and non-polar, at codon 167 of the LMBR1 protein (p.Val167Ala). The frequency data for this variant in the population databases is considered unreliable, as metrics indicate poor data quality at this position in the gnomAD database. This variant has not been reported in the literature in individuals affected with LMBR1-related conditions. ClinVar contains an entry for this variant (Variation ID: 2802515). Invitae Evidence Modeling of protein sequence and biophysical properties (such as structural, functional, and spatial information, amino acid conservation, physicochemical variation, residue mobility, and thermodynamic stability) indicates that this missense variant is not expected to disrupt LMBR1 protein function with a negative predictive value of 80%. In summary, the available evidence is currently insufficient to determine the role of this variant in disease. Therefore, it has been classified as a Variant of Uncertain Significance.

NM_022458.4(LMBR1):c.500T>C (p.Val167Ala)

Gene: LMBR1 (limb development membrane protein 1; minus strand). Cytogenetic location: 7q36.3.
Variant type: single nucleotide variant.
Coding change: c.500T>C on transcript NM_022458.4 (MANE Select); coding-DNA position 500, T replaced by C.
Protein change: p.Val167Ala; replaces valine 167 with alanine.
Molecular consequence: missense variant. On other transcripts: non-coding transcript variant (2).
Genome position (GRCh38, 1-based): chr7:156,763,719, A>G on the plus strand (T>C on the coding strand, the complement: LMBR1 is on the minus strand). VCF-style: chr7-156763719-A-G. GRCh37 (hg19) VCF-style: chr7-156556413-A-G.
Other names: c.500T>C, p.Val167Ala (NM_001350953.2, NM_001363409.2, NM_001363410.2); c.221T>C, p.Val74Ala (NM_001350954.2); c.44T>C, p.Val15Ala (NM_001350955.2, NM_001350956.2, NM_001350958.2 and 1 more transcripts); c.131T>C, p.Val44Ala (NM_001350957.2, NM_001363411.2); c.437T>C, p.Val146Ala (NM_001363412.2); short protein forms V146A, V44A, V15A, V167A, V74A.
Identifiers: ClinVar variation 2802515 (VCV002802515.3), dbSNP rs772174594, ClinGen allele CA4588102.